The following is an entry in ClinVar:

ClinVar aggregate classification (germline): Pathogenic (1 of 4 stars; one submission).

Conditions:
Severe myoclonic epilepsy in infancy (DRVT). Also called: Epileptic encephalopathy, early infantile, 6 (Dravet syndrome); SEVERE MYOCLONIC EPILEPSY OF INFANCY; DEVELOPMENTAL AND EPILEPTIC ENCEPHALOPATHY 6A; Severe Myoclonic Epilepsy in Infancy (SMEI); Dravet syndrome. Identifiers: Orphanet 33069, MedGen C0751122, MONDO:0100135, OMIM 607208.

Submission:

Center for Bioinformatics, Peking University
Classification: Pathogenic for Dravet syndrome. Last evaluated: 2014-12-20. Review status: criteria provided, single submitter. Criteria: Xu et al. (Hum Mutat. 2015). Collection method: research. Allele origin: de novo. Affected: yes. Observed: 1 variant allele. Study: University Clinical Cooperation “985 Project” PKU-2014-1-1.
Comment: Dravet syndrome (DS) probands were recruited from the outpatient and inpatient child neurology units of Peking University First Hospital from 2005 till present. The study was approved by the Ethics Committee of Peking University First Hospital and the Institutional Review Board at Peking University. Participants or their parents provided written informed consent before enrollment. We collected a total of 267 mutations from 255 families with probands diagnosed with DS in China. All probands fulfilled the clinical diagnostic criteria.

NM_001165963.4(SCN1A):c.1183_1184del (p.Ala395fs)

Gene: SCN1A (sodium voltage-gated channel alpha subunit 1; minus strand). Cytogenetic location: 2q24.3.
Variant type: Deletion.
Coding change: c.1183_1184del on transcript NM_001165963.4 (MANE Select); coding-DNA positions 1183 to 1184, 2 bases deleted (GC; older notation c.1183_1184delGC).
Protein change: p.Ala395fs; shifts the reading frame from alanine 395.
Molecular consequence: frameshift variant. On other transcripts: 5 prime UTR variant (1), non-coding transcript variant (1).
Genome position (GRCh38, 1-based): chr2:166,046,963-166,046,964, GC deleted on the plus strand (GC on the coding strand, the reverse complement: SCN1A is on the minus strand). VCF-style (leftmost placement, unchanged base first): chr2-166046962-AGC-A. GRCh37 (hg19) VCF-style: chr2-166903472-AGC-A.
Other names: c.1183_1184del, p.Ala395fs (NM_001165964.3, NM_001202435.3, NM_001353948.2 and 10 more transcripts); c.-1243_-1242del (NM_001353961.2); short protein forms A395fs.
Identifiers: ClinVar variation 189939 (VCV000189939.1), dbSNP rs794726776, ClinGen allele CA303358.